The following is an entry in ClinVar:

NM_001130438.3(SPTAN1):c.5126A>G (p.Glu1709Gly)

Gene: SPTAN1 (spectrin alpha, non-erythrocytic 1; plus strand). Cytogenetic location: 9q34.11.
Variant type: single nucleotide variant.
Coding change: c.5126A>G on transcript NM_001130438.3 (MANE Select); coding-DNA position 5126, A replaced by G.
Protein change: p.Glu1709Gly; replaces glutamic acid 1709 with glycine.
Molecular consequence: missense variant.
Genome position (GRCh38, 1-based): chr9:128,613,463, A>G. VCF-style: chr9-128613463-A-G. GRCh37 (hg19) VCF-style: chr9-131375742-A-G.
Other names: c.5051A>G, p.Glu1684Gly (NM_001195532.2, NM_001438441.1, NM_001438444.1); c.5126A>G, p.Glu1709Gly (NM_001363759.2, NM_001375310.1, NM_001375311.2 and 1 more transcripts); c.5066A>G, p.Glu1689Gly (NM_001363765.2, NM_001375314.2, NM_001438442.1); c.5162A>G, p.Glu1721Gly (NM_001375312.2, NM_001375318.1, NM_001438440.1); c.5111A>G, p.Glu1704Gly (NM_001438443.1, NM_001438445.1, NM_003127.4); short protein forms E1684G, E1689G, E1704G, E1709G, E1721G.
Identifiers: ClinVar variation 4845416 (VCV004845416.1).

ClinVar aggregate classification (germline): Likely pathogenic (1 of 4 stars; one submission).

Conditions:
Spastic paraplegia 91, autosomal dominant, with or without cerebellar ataxia (SPG91). Identifiers: MedGen C5882701, MONDO:0957813, OMIM 620538.
Developmental delay with or without epilepsy (DEVEP). Identifiers: MedGen C5882702, MONDO:0957815, OMIM 620540.

Submission:

Clinical Genomics, G42 Labs
Classification: Likely pathogenic for Developmental delay with or without epilepsy; Spastic paraplegia 91, autosomal dominant, with or without cerebellar ataxia. Last evaluated: 2025-12-21. Review status: criteria provided, single submitter. Criteria: ACMG Guidelines, 2015. Collection method: clinical testing. Allele origin: de novo. Inheritance: Autosomal dominant inheritance. Affected: yes. Observed: 1 variant allele, 1 heterozygote.
Comment: The c.5126A>G, p.(Glu1709Gly) is a missense variant in the SPTAN1 gene, which results in the amino acid substitution of glycine for glutamic acid at codon 1709. This variant lies in the spectrin repeat domain of the SPTAN1 protein (UniProt ID: Q13813). The variant is absent from controls in GnomAD population (GnomAD v.4.1.0) and the gene is highly contrained for missense variations (Z: 8.4) In silico prediction programs indicated deleterious effect on the gene or gene product (REVEL:0.72). This variant occurred de novo.